The following is an entry in ClinVar:

NM_182961.4(SYNE1):c.17801del (p.Thr5934fs)

Gene: SYNE1 (spectrin repeat containing nuclear envelope protein 1; minus strand). Cytogenetic location: 6q25.2.
Variant type: Deletion.
Coding change: c.17801del on transcript NM_182961.4 (MANE Select); coding-DNA position 17801, one base deleted (C; older notation c.17801delC).
Protein change: p.Thr5934fs; shifts the reading frame from threonine 5934.
Molecular consequence: frameshift variant.
Genome position (GRCh38, 1-based): chr6:152,294,009, G deleted on the plus strand (C on the coding strand, the reverse complement: SYNE1 is on the minus strand). VCF-style (leftmost placement, unchanged base first): chr6-152294008-AG-A. GRCh37 (hg19) VCF-style: chr6-152615143-AG-A.
Other names: c.17588del, p.Thr5863fs (NM_033071.5); short protein forms T5863fs, T5934fs.
Identifiers: ClinVar variation 1998985 (VCV001998985.4), dbSNP rs2552072090, ClinGen allele CA2580075211.
Genomic context (GRCh38, chr6:152,294,008, plus strand): 5'-TTGAAGACTTACCACATTCTTTAAGGTTTCCCAAGAACGCTGCAAATCACCCAGTTTGGC[AG>A]TAGCGGATGGCTCCAATCCCGGTTCATAGAACTCCTGGGATGCGGATGTGCTGGGGTGAA-3'

ClinVar aggregate classification (germline): Pathogenic (1 of 4 stars; one submission).

Conditions:
Autosomal recessive ataxia, Beauce type. Also called: SYNE1 Deficiency; Spinocerebellar ataxia, autosomal recessive 8; ATAXIA, RECESSIVE, OF BEAUCE; SYNE1-Related Autosomal Recessive Cerebellar Ataxia. Identifiers: Orphanet 88644, MedGen C1853116, MONDO:0012549, OMIM 610743.
Emery-Dreifuss muscular dystrophy 4, autosomal dominant (EDMD4). Also called: EMERY-DREIFUSS MUSCULAR DYSTROPHY 4 WITH VARIABLE FEATURES. Identifiers: Orphanet 261, MedGen C2751807, MONDO:0013071, OMIM 612998.

Submission:

Labcorp Genetics (formerly Invitae), Labcorp
Classification: Pathogenic for Emery-Dreifuss muscular dystrophy 4, autosomal dominant; Autosomal recessive ataxia, Beauce type. Last evaluated: 2022-05-25. Review status: criteria provided, single submitter. Criteria: Invitae Variant Classification Sherloc (09022015). Collection method: clinical testing. Allele origin: germline.
Comment: For these reasons, this variant has been classified as Pathogenic. This variant has not been reported in the literature in individuals affected with SYNE1-related conditions. This variant is not present in population databases (gnomAD no frequency). This sequence change creates a premature translational stop signal (p.Thr5863Metfs*14) in the SYNE1 gene. It is expected to result in an absent or disrupted protein product. Loss-of-function variants in SYNE1 are known to be pathogenic (PMID: 19542096, 24319099, 27086870).

Literature cited by the submitters: PubMed 19542096; PubMed 24319099; PubMed 27086870.